The following is an entry in ClinVar:

NM_005359.6(SMAD4):c.1106A>T (p.Asn369Ile)

Gene: SMAD4 (SMAD family member 4; plus strand). Cytogenetic location: 18q21.2.
Variant type: single nucleotide variant.
Coding change: c.1106A>T on transcript NM_005359.6 (MANE Select); coding-DNA position 1106, A replaced by T.
Protein change: p.Asn369Ile; replaces asparagine 369 with isoleucine.
Molecular consequence: missense variant.
Genome position (GRCh38, 1-based): chr18:51,065,573, A>T. VCF-style: chr18-51065573-A-T. GRCh37 (hg19) VCF-style: chr18-48591943-A-T.
Other names: c.1106A>T, p.Asn369Ile (NM_001407041.1, NM_001407042.1, NM_001407043.1); short protein forms N369I.
Identifiers: ClinVar variation 1793729 (VCV001793729.3), dbSNP rs139569694, ClinGen allele CA402464478.

ClinVar aggregate classification (germline): Uncertain significance (1 of 4 stars; one submission).

Conditions:
Familial thoracic aortic aneurysm and aortic dissection (TAAD). Also called: Thoracic aortic aneurysms and dissections. Identifiers: Orphanet 91387, MedGen C4707243, MONDO:0019625.
Hereditary cancer-predisposing syndrome. Also called: Hereditary Cancer Syndrome; Hereditary neoplastic syndrome; Neoplastic Syndromes, Hereditary; Tumor predisposition. Identifiers: Orphanet 140162, MedGen C0027672, MeSH D009386, MONDO:0015356.

Submission:

Ambry Genetics
Classification: Uncertain significance for Hereditary cancer-predisposing syndrome; Familial thoracic aortic aneurysm and aortic dissection. Last evaluated: 2026-08-10. Review status: criteria provided, single submitter. Criteria: Ambry Variant Classification Scheme 2023. Collection method: clinical testing. Allele origin: germline.
Comment: The p.N369I variant (also known as c.1106A>T), located in coding exon 8 of the SMAD4 gene, results from an A to T substitution at nucleotide position 1106. The asparagine at codon 369 is replaced by isoleucine, an amino acid with dissimilar properties. This amino acid position is highly conserved in available vertebrate species. In addition, this alteration is predicted to be deleterious by in silico analysis. Based on the available evidence, the clinical significance of this variant remains unclear.